The following is an entry in ClinVar:

ClinVar aggregate classification (germline): Likely benign. Review status: criteria provided, multiple submitters, no conflicts (2 of 4 stars). 2 submissions from 2 submitters: Likely benign (2). Last evaluated 2026-04-28.

Conditions:
Colorectal cancer, hereditary nonpolyposis, type 7. Identifiers: Orphanet 144, MedGen C1858380, MONDO:0013725, OMIM 614385.

gnomAD v4.1: 17 of 1,612,148 alleles (0.0011%); highest among the groups gnomAD compares: Admixed American, 0.0083%; no homozygotes.

Submissions (2):

Myriad Genetics, Inc.
Classification: Likely benign for Colorectal cancer, hereditary nonpolyposis, type 7. Last evaluated: 2026-04-28. Review status: criteria provided, single submitter. Criteria: Myriad Autosomal Dominant, Autosomal Recessive and X-Linked Classification Criteria (2023). Collection method: clinical testing. Allele origin: unknown.
Comment: This variant is considered likely benign. This variant is intronic and is not expected to impact mRNA splicing.

Labcorp Genetics (formerly Invitae), Labcorp
Classification: Likely benign for Colorectal cancer, hereditary nonpolyposis, type 7. Last evaluated: 2024-12-12. Review status: criteria provided, single submitter. Criteria: Invitae Variant Classification Sherloc (09022015). Collection method: clinical testing. Allele origin: germline.

NM_001040108.2(MLH3):c.3644-6A>G

Gene: MLH3 (mutL homolog 3; minus strand). Cytogenetic location: 14q24.3.
Variant type: single nucleotide variant.
Coding change: c.3644-6A>G on transcript NM_001040108.2 (MANE Select); 6 bases into the intron before coding-DNA position 3644, A replaced by G.
Molecular consequence: intron variant.
Genome position (GRCh38, 1-based): chr14:75,033,496, T>C on the plus strand (A>G on the coding strand, the complement: MLH3 is on the minus strand). VCF-style: chr14-75033496-T-C. GRCh37 (hg19) VCF-style: chr14-75500199-T-C.
Other names: c.3644-1317A>G (NM_014381.3).
Identifiers: ClinVar variation 1101654 (VCV001101654.10), dbSNP rs776538240, ClinGen allele CA7275368.